The following is an entry in ClinVar:

NM_018489.3(ASH1L):c.3319A>G (p.Ile1107Val)

Gene: ASH1L (ASH1 like histone lysine methyltransferase; minus strand). Cytogenetic location: 1q22.
Variant type: single nucleotide variant.
Coding change: c.3319A>G on transcript NM_018489.3 (MANE Select); coding-DNA position 3319, A replaced by G.
Protein change: p.Ile1107Val; replaces isoleucine 1107 with valine.
Molecular consequence: missense variant.
Genome position (GRCh38, 1-based): chr1:155,479,551, T>C on the plus strand (A>G on the coding strand, the complement: ASH1L is on the minus strand). VCF-style: chr1-155479551-T-C. GRCh37 (hg19) VCF-style: chr1-155449342-T-C.
Other names: c.3319A>G, p.Ile1107Val (NM_001366177.2); c.3319A>G (NM_018489.2); short protein forms I1107V.
Identifiers: ClinVar variation 1328007 (VCV001328007.28), dbSNP rs140137038, ClinGen allele CA1147094.

ClinVar aggregate classification (germline): Benign/Likely benign. Review status: criteria provided, multiple submitters, no conflicts (2 of 4 stars). 5 submissions from 5 submitters: Benign (1); Likely benign (1). 3 of the submissions do not count toward it. Last evaluated 2024-08-01.

Conditions:
ASH1L-related disorder. Also called: ASH1L-related condition.

Allele frequency attached by ClinVar (database versions not stated): gnomAD exomes 0.00023 and 0.00044; ExAC 0.00042; ESP Exome Variant Server 0.00046; TOPMed 0.00112; gnomAD 0.00122 and 0.00126; 1000 Genomes Project 0.00140; 1000 Genomes Project 30x 0.00141.
gnomAD v4.1: 542 of 1,614,032 alleles (0.034%); highest among the groups gnomAD compares: African/African-American, 0.43%; 1 homozygote.

Submissions (5):

CeGaT Center for Human Genetics Tuebingen
Classification: Benign. Last evaluated: 2024-08-01. Review status: criteria provided, single submitter. Criteria: CeGaT Center For Human Genetics Tuebingen Variant Classification Criteria Version 2. Collection method: clinical testing. Allele origin: germline. Affected: yes. Observed: 4 variant alleles.
Comment: ASH1L: PP2, BP4, BS1, BS2

Breakthrough Genomics
Classification: Likely benign. Review status: criteria provided, single submitter. Criteria: ACMG Guidelines, 2015. Collection method: not provided. Allele origin: germline. Inheritance: Autosomal dominant inheritance. Affected: yes.

PreventionGenetics, part of Exact Sciences
Classification: Likely benign for ASH1L-related condition. Last evaluated: 2021-03-09. Review status: no assertion criteria provided. Collection method: clinical testing. Allele origin: germline. Not counted in ClinVar's aggregate classification.
Comment: This variant is classified as likely benign based on ACMG/AMP sequence variant interpretation guidelines (Richards et al. 2015 PMID: 25741868, with internal and published modifications).

Clinical Genetics DNA and cytogenetics Diagnostics Lab, Erasmus MC, Erasmus Medical Center
Classification: Likely benign. Review status: no assertion criteria provided. Collection method: clinical testing. Allele origin: germline. Affected: yes. Study: VKGL Data-share Consensus. Not counted in ClinVar's aggregate classification.

Genome Diagnostics Laboratory, University Medical Center Utrecht
Classification: Likely benign. Review status: no assertion criteria provided. Collection method: clinical testing. Allele origin: germline. Affected: yes. Study: VKGL Data-share Consensus. Not counted in ClinVar's aggregate classification.